The following is an entry in ClinVar:

ClinVar aggregate classification (germline): Likely benign. Review status: criteria provided, multiple submitters, no conflicts (2 of 4 stars). 2 submissions from 2 submitters: Likely benign (2). Last evaluated 2025-10-30.

Conditions:
TTC21B-related disorder. Also called: TTC21B-related condition; TTC21B-related disorders.
Jeune thoracic dystrophy. Also called: Short-rib thoracic dysplasia; Jeune syndrome; Infantile thoracic dystrophy; Thoracic pelvic phalangeal dystrophy; Jeune's syndrome; Chondroectodermal dysplasia-like syndrome. Identifiers: Orphanet 474, MedGen C0265275, MONDO:0018770.
Nephronophthisis. Also called: Juvenile Nephronophthisis. Identifiers: Orphanet 655, MedGen C0687120, MONDO:0019005, HP:0000090.

Allele frequency attached by ClinVar (database versions not stated): TOPMed below 0.00001; gnomAD exomes 0.00001; ExAC 0.00003.
gnomAD v4.1: 19 of 1,613,786 alleles (0.0012%); highest among the groups gnomAD compares: Admixed American, 0.0017%; no homozygotes.

Submissions (2):

PreventionGenetics, part of Exact Sciences
Classification: Likely benign for TTC21B-related condition. Last evaluated: 2025-10-30. Review status: criteria provided, single submitter. Criteria: ACMG Guidelines, 2015. Collection method: clinical testing. Allele origin: germline.
Comment: This variant is classified as likely benign based on ACMG/AMP sequence variant interpretation guidelines (Richards et al. 2015 PMID: 25741868, with internal and published modifications).

Labcorp Genetics (formerly Invitae), Labcorp
Classification: Likely benign for Jeune thoracic dystrophy; Nephronophthisis. Last evaluated: 2025-01-02. Review status: criteria provided, single submitter. Criteria: Invitae Variant Classification Sherloc (09022015). Collection method: clinical testing. Allele origin: germline.

NM_024753.5(TTC21B):c.1517-4T>C

Gene: TTC21B (tetratricopeptide repeat domain 21B; minus strand). Cytogenetic location: 2q24.3.
Variant type: single nucleotide variant.
Coding change: c.1517-4T>C on transcript NM_024753.5 (MANE Select); 4 bases into the intron before coding-DNA position 1517, T replaced by C.
Molecular consequence: intron variant.
Genome position (GRCh38, 1-based): chr2:165,919,437, A>G on the plus strand (T>C on the coding strand, the complement: TTC21B is on the minus strand). VCF-style: chr2-165919437-A-G. GRCh37 (hg19) VCF-style: chr2-166775947-A-G.
Other names: c.1517-4T>C (NM_024753.4).
Identifiers: ClinVar variation 2142072 (VCV002142072.5), dbSNP rs747640594, ClinGen allele CA1942093.